The following is an entry in ClinVar:

ClinVar aggregate classification (germline): Uncertain significance. Review status: criteria provided, multiple submitters, no conflicts (2 of 4 stars). 2 submissions from 2 submitters: Uncertain significance (2). Last evaluated 2025-08-05.

Conditions:
Inborn genetic diseases. Identifiers: MedGen C0950123, MeSH D030342.
Spastic paraplegia. Identifiers: MedGen C0037772, HP:0001258.

Submissions (2):

Ambry Genetics
Classification: Uncertain significance for Inborn genetic diseases. Last evaluated: 2025-08-05. Review status: criteria provided, single submitter. Criteria: Ambry Variant Classification Scheme 2023. Collection method: clinical testing. Allele origin: germline.

Labcorp Genetics (formerly Invitae), Labcorp
Classification: Uncertain significance for Spastic paraplegia. Last evaluated: 2020-09-17. Review status: criteria provided, single submitter. Criteria: Invitae Variant Classification Sherloc (09022015). Collection method: clinical testing. Allele origin: germline.
Comment: This sequence change replaces leucine with phenylalanine at codon 528 of the ZFYVE26 protein (p.Leu528Phe). The leucine residue is moderately conserved and there is a small physicochemical difference between leucine and phenylalanine. This variant is not present in population databases (ExAC no frequency). This variant has not been reported in the literature in individuals with ZFYVE26-related conditions. Algorithms developed to predict the effect of missense changes on protein structure and function (SIFT, PolyPhen-2, Align-GVGD) all suggest that this variant is likely to be tolerated, but these predictions have not been confirmed by published functional studies and their clinical significance is uncertain. In summary, the available evidence is currently insufficient to determine the role of this variant in disease. Therefore, it has been classified as a Variant of Uncertain Significance.

NM_015346.4(ZFYVE26):c.1582C>T (p.Leu528Phe)

Gene: ZFYVE26 (zinc finger FYVE-type containing 26; minus strand). Cytogenetic location: 14q24.1.
Variant type: single nucleotide variant.
Coding change: c.1582C>T on transcript NM_015346.4 (MANE Select); coding-DNA position 1582, C replaced by T.
Protein change: p.Leu528Phe; replaces leucine 528 with phenylalanine.
Molecular consequence: missense variant.
Genome position (GRCh38, 1-based): chr14:67,802,136, G>A on the plus strand (C>T on the coding strand, the complement: ZFYVE26 is on the minus strand). VCF-style: chr14-67802136-G-A. GRCh37 (hg19) VCF-style: chr14-68268853-G-A.
Other names: c.1582C>T (NM_015346.3); short protein forms L528F.
Identifiers: ClinVar variation 1013721 (VCV001013721.9), dbSNP rs2040089545, ClinGen allele CA390176313.